The following is an entry in ClinVar:

ClinVar aggregate classification (germline): Uncertain significance (1 of 4 stars; one submission).

Conditions:
Long QT syndrome (LQTS). Identifiers: MedGen C0023976, MeSH D008133, MONDO:0002442. Disease mechanism: loss of function. Inheritance: Various modes of inheritance.

Submission:

Labcorp Genetics (formerly Invitae), Labcorp
Classification: Uncertain significance for Long QT syndrome. Last evaluated: 2025-05-18. Review status: criteria provided, single submitter. Criteria: Invitae Variant Classification Sherloc (09022015). Collection method: clinical testing. Allele origin: germline.
Comment: This sequence change replaces leucine, which is neutral and non-polar, with valine, which is neutral and non-polar, at codon 2094 of the CACNA1C protein (p.Leu2094Val). This variant is not present in population databases (gnomAD no frequency). This variant has not been reported in the literature in individuals affected with CACNA1C-related conditions. Invitae Evidence Modeling of protein sequence and biophysical properties (such as structural, functional, and spatial information, amino acid conservation, physicochemical variation, residue mobility, and thermodynamic stability) indicates that this missense variant is not expected to disrupt CACNA1C protein function with a negative predictive value of 95%. In summary, the available evidence is currently insufficient to determine the role of this variant in disease. Therefore, it has been classified as a Variant of Uncertain Significance.

NM_000719.7(CACNA1C):c.6280C>G (p.Leu2094Val)

Genes: CACNA1C (calcium voltage-gated channel subunit alpha1 C; plus strand), CACNA1C-AS1 (CACNA1C antisense RNA 1; minus strand). Cytogenetic location: 12p13.33.
Variant type: single nucleotide variant.
Coding change: c.6280C>G on transcript NM_000719.7 (MANE Select); coding-DNA position 6280, C replaced by G.
Protein change: p.Leu2094Val; replaces leucine 2094 with valine.
Molecular consequence: missense variant.
Genome position (GRCh38, 1-based): chr12:2,691,062, C>G. VCF-style: chr12-2691062-C-G. GRCh37 (hg19) VCF-style: chr12-2800228-C-G.
Other names: c.6424C>G, p.Leu2142Val (NM_001129827.2); c.6403C>G, p.Leu2135Val (NM_001129829.2); c.6385C>G, p.Leu2129Val (NM_001129830.3, NM_001167624.3); c.6364C>G, p.Leu2122Val (NM_001129831.2); c.6340C>G, p.Leu2114Val (NM_001129832.2); c.6337C>G, p.Leu2113Val (NM_001129833.2, NM_001129834.2, NM_001129835.2); c.6331C>G, p.Leu2111Val (NM_001129836.2); c.6304C>G, p.Leu2102Val (NM_001129837.2, NM_001129838.2); and 6 more; short protein forms L2083V, L2091V, L2094V, L2100V, L2102V, L2111V, L2113V, L2114V.
Identifiers: ClinVar variation 4810604 (VCV004810604.1).